The following continues an entry in ClinVar:

NM_000077.5(CDKN2A):c.71G>C (p.Arg24Pro)

Gene: CDKN2A. ClinVar aggregate classification (germline): Pathogenic/Likely pathogenic. Pathogenic (19); Likely pathogenic (1).

Submissions 12 to 23 of 23:

Color Diagnostics, LLC DBA Color Health
Classification: Pathogenic for Hereditary cancer-predisposing syndrome. Last evaluated: 2022-11-21. Review status: criteria provided, single submitter. Criteria: ACMG Guidelines, 2015. Collection method: clinical testing. Allele origin: germline.
Comment: The CDKN2A locus encodes two different gene products, p16INK4a and p14ARF. This missense variant replaces arginine with proline at codon 24 of the CDKN2A (p16INK4A) protein. Computational prediction tools and conservation analyses are inconclusive regarding the impact of this variant on protein structure and function. Functional studies have shown that this variant causes loss of p16INK4A binding to CDK4 and loss of cell cycle inhibition function (PMID: 17909018, 15945100, 19260062, 20340136, 11595726, 18843795). This variant has been reported in over 40 individuals affected with melanoma (PMID: 10390011, 15146471, 16905682, 17047042, 18363633, 21801156, 25780468, 26225579, 26775776, 33050356) and pancreatic cancer (PMID: 15146471, 16905682, 21150883, 25356972). A family study has shown that this variant segregates with melanoma in multiple related individuals (PMID: 9699728). This variant has been identified in 4/236656 chromosomes in the general population by the Genome Aggregation Database (gnomAD). Based on the available evidence, this variant is classified as Pathogenic.

GeneDx
Classification: Pathogenic. Last evaluated: 2022-10-03. Review status: criteria provided, single submitter. Criteria: GeneDx Variant Classification Process June 2021. Collection method: clinical testing. Allele origin: germline. Affected: yes.
Comment: Published functional studies demonstrate a damaging effect: impaired binding to CDK4, impaired growth inhibition, and altered cellular localization (Monzon et al., 1998; Becker et al., 2001; McKenzie et al., 2010); Not observed at significant frequency in large population cohorts (gnomAD); This variant is associated with the following publications: (PMID: 9516223, 10398427, 9823374, 9699728, 33945383, 29922827, 11595726, 21462282, 23190892, 16234564, 8570179, 9425228, 26845104, 11500805, 26775776, 15945100, 18843795, 26225579, 25356972, 26206375, 15235029, 28830827, 9328469, 15304099, 15146471, 9856841, 10390011, 12072543, 11815963, 21150883, 17218939, 21801156, 16905682, 18363633, 17047042, 26800492, 29506128, 31382929, 34308366, 32482799, 14646620, 30967399, 33050356, 30218143, 27535533, 11556834, 20340136)

Clinical Genetics Laboratory, Skane University Hospital Lund
Classification: Pathogenic. Last evaluated: 2022-05-27. Review status: criteria provided, single submitter. Criteria: ACMG Guidelines, 2015. Collection method: clinical testing. Allele origin: germline. Affected: yes.

Department of Pediatrics, Memorial Sloan Kettering Cancer Center
Classification: Pathogenic for Melanoma-pancreatic cancer syndrome. Last evaluated: 2020-12-15. Review status: criteria provided, single submitter. Criteria: ACMG Guidelines, 2015. Collection method: research. Allele origin: germline. Affected: no.

Department of Molecular Diagnostics, Institute of Oncology Ljubljana
Classification: Pathogenic for Melanoma-pancreatic cancer syndrome. Last evaluated: 2020-04-02. Review status: criteria provided, single submitter. Criteria: ACMG Guidelines, 2015. Collection method: clinical testing. Allele origin: germline. Affected: yes.

Revvity Omics, Revvity
Classification: Pathogenic. Last evaluated: 2019-03-28. Review status: criteria provided, single submitter. Criteria: ACMG Guidelines, 2015. Collection method: clinical testing. Allele origin: germline.

Fulgent Genetics
Classification: Pathogenic for Melanoma, cutaneous malignant, susceptibility to, 2; Melanoma and neural system tumor syndrome; Melanoma-pancreatic cancer syndrome. Last evaluated: 2018-10-31. Review status: criteria provided, single submitter. Criteria: ACMG Guidelines, 2015. Collection method: clinical testing. Allele origin: unknown.

University of Washington Department of Laboratory Medicine, University of Washington
Classification: Pathogenic for Hereditary cancer-predisposing syndrome. Last evaluated: 2015-11-20. Review status: criteria provided, single submitter. Criteria: Shirts et al. (Genet Med 2016). Collection method: clinical testing. Allele origin: germline. Affected: yes. Observed: 1 variant allele.

University Health Network, Familial Cancer Clinic, Princess Margaret Cancer Centre
Classification: Pathogenic for Melanoma-pancreatic cancer syndrome. Review status: criteria provided, single submitter. Criteria: ACMG Guidelines, 2015. Collection method: clinical testing. Allele origin: germline. Inheritance: Autosomal dominant inheritance. Affected: yes. Observed: 1 variant allele.

Counsyl
Classification: Likely pathogenic for Melanoma-pancreatic cancer syndrome. Last evaluated: 2016-07-19. Review status: no assertion criteria provided. Collection method: clinical testing. Allele origin: unknown. Not counted in ClinVar's aggregate classification.

OMIM
Classification: risk factor for MELANOMA, CUTANEOUS MALIGNANT, SUSCEPTIBILITY TO, 2. Last evaluated: 1998-08-01. Review status: no assertion criteria provided. Collection method: literature only. Allele origin: germline. Not counted in ClinVar's aggregate classification.

Medical Genetics, Medical University Pleven
Classification: Pathogenic for Melanoma-pancreatic cancer syndrome. Review status: no assertion criteria provided. Collection method: research. Allele origin: germline. Inheritance: Autosomal dominant inheritance. Affected: yes. Observed: 1 heterozygote. Not counted in ClinVar's aggregate classification.

Literature cited by the submitters: PubMed 8570179 (cited by 4 submitters); PubMed 9699728 (cited by 7 submitters); PubMed 10390011 (cited by 6 submitters); PubMed 15146471 (cited by 5 submitters); PubMed 16905682 (cited by 3 submitters); PubMed 17047042 (cited by 3 submitters); PubMed 18363633 (cited by 3 submitters); PubMed 21150883 (cited by 4 submitters); PubMed 21801156 (cited by 4 submitters); PubMed 25356972 (cited by 3 submitters); PubMed 26225579 (cited by 4 submitters); PubMed 11595726 (cited by 4 submitters); PubMed 15945100 (cited by 4 submitters); PubMed 18843795 (cited by 4 submitters); PubMed 20340136 (cited by 7 submitters); PubMed 23190892 (cited by 4 submitters); PubMed 17909018 (cited by 3 submitters); PubMed 10398427 (cited by Dasa and Ambry Genetics); PubMed 9516223 (cited by 4 submitters); PubMed 11556834 (cited by 3 submitters); PubMed 11815963 (cited by Ambry Genetics and Counsyl); PubMed 16234564 (cited by Ambry Genetics); PubMed 21462282 (cited by Ambry Genetics and Counsyl); PubMed 33050356 (cited by Ambry Genetics and Color Diagnostics, LLC DBA Color Health); PubMed 9425228 (cited by Ambry Genetics); PubMed 19260062 (cited by Color Diagnostics, LLC DBA Color Health); PubMed 25780468 (cited by Color Diagnostics, LLC DBA Color Health); PubMed 26775776 (cited by Color Diagnostics, LLC DBA Color Health); PubMed 28873162 (cited by Department of Pediatrics, Memorial Sloan Kettering Cancer Center); PubMed 26206375 (cited by Counsyl); PubMed 26845104 (cited by Counsyl); PubMed 17218939 (cited by Counsyl).